The following is an entry in ClinVar:

NM_001112741.2(KCNC1):c.1017A>C (p.Arg339=)

Gene: KCNC1 (potassium voltage-gated channel subfamily C member 1; plus strand). Cytogenetic location: 11p15.1.
Variant type: single nucleotide variant.
Coding change: c.1017A>C on transcript NM_001112741.2 (MANE Select); coding-DNA position 1017, A replaced by C.
Protein change: p.Arg339=; no amino-acid change (arginine 339 retained).
Molecular consequence: synonymous variant.
Genome position (GRCh38, 1-based): chr11:17,772,111, A>C. VCF-style: chr11-17772111-A-C. GRCh37 (hg19) VCF-style: chr11-17793658-A-C.
Other names: c.1017A>C, p.Arg339= (NM_004976.4).
Identifiers: ClinVar variation 475345 (VCV000475345.22), dbSNP rs137989254, ClinGen allele CA5906761.
Genomic context (GRCh38, chr11:17,772,111, plus strand): 5'-GCGCATCTTTAAGCTGACCCGCCACTTTGTGGGCCTGCGGGTCCTGGGCCACACGCTCCG[A>C]GCCAGCACCAACGAGTTCCTGCTGCTCATCATCTTCCTGGCCTTGGGCGTGCTGATCTTC-3'
Protein context (NP_001106212.1, residues 329-349): VGLRVLGHTL[Arg339=]ASTNEFLLLI

ClinVar aggregate classification (germline): Benign/Likely benign. Review status: criteria provided, multiple submitters, no conflicts (2 of 4 stars). 7 submissions from 7 submitters: Benign (4); Likely benign (2). 1 of the submissions does not count toward it. Last evaluated 2026-01-09.

Conditions:
Progressive myoclonic epilepsy type 7. Identifiers: Orphanet 435438, MedGen C4015420, MONDO:0014521, OMIM 616187.
KCNC1-related disorder. Also called: KCNC1-Related Disorders; KCNC1-related condition. Identifiers: MedGen CN381541.
Inborn genetic diseases. Identifiers: MedGen C0950123, MeSH D030342.

Allele frequency attached by ClinVar (database versions not stated): gnomAD exomes 0.00020 and 0.00052; ExAC 0.00062; gnomAD 0.00226 and 0.00239; TOPMed 0.00230; 1000 Genomes Project 0.00240; ESP Exome Variant Server 0.00246; 1000 Genomes Project 30x 0.00265.
gnomAD v4.1: 645 of 1,613,930 alleles (0.04%); highest among the groups gnomAD compares: African/African-American, 0.78%; 2 homozygotes.

Submissions (7):

Labcorp Genetics (formerly Invitae), Labcorp
Classification: Benign for Progressive myoclonic epilepsy type 7. Last evaluated: 2026-01-09. Review status: criteria provided, single submitter. Criteria: Invitae Variant Classification Sherloc (09022015). Collection method: clinical testing. Allele origin: germline.

Blueprint Genetics
Classification: Likely benign. Last evaluated: 2024-11-27. Review status: criteria provided, single submitter. Criteria: ACMG Guidelines, 2015. Collection method: clinical testing. Allele origin: germline.

ARUP Laboratories, Molecular Genetics and Genomics, ARUP Laboratories
Classification: Benign for Progressive myoclonic epilepsy type 7. Last evaluated: 2023-12-22. Review status: criteria provided, single submitter. Criteria: ARUP Molecular Germline Variant Investigation Process 2024. Collection method: clinical testing. Allele origin: germline.

Athena Diagnostics
Classification: Benign. Last evaluated: 2019-02-20. Review status: criteria provided, single submitter. Criteria: Athena Diagnostics Criteria. Collection method: clinical testing. Allele origin: germline.

GeneDx
Classification: Benign. Last evaluated: 2018-11-26. Review status: criteria provided, single submitter. Criteria: GeneDx Variant Classification Process June 2021. Collection method: clinical testing. Allele origin: germline. Affected: yes.

Ambry Genetics
Classification: Likely benign for Inborn genetic diseases. Last evaluated: 2018-02-09. Review status: criteria provided, single submitter. Criteria: Ambry Variant Classification Scheme 2023. Collection method: clinical testing. Allele origin: germline.

PreventionGenetics, part of Exact Sciences
Classification: Benign for KCNC1-related condition. Last evaluated: 2019-06-10. Review status: no assertion criteria provided. Collection method: clinical testing. Allele origin: germline. Not counted in ClinVar's aggregate classification.
Comment: This variant is classified as benign based on ACMG/AMP sequence variant interpretation guidelines (Richards et al. 2015 PMID: 25741868, with internal and published modifications).